The following is an entry in ClinVar:

ClinVar aggregate classification (germline): Uncertain significance. Review status: criteria provided, multiple submitters, no conflicts (2 of 4 stars). 2 submissions from 2 submitters: Uncertain significance (2). Last evaluated 2024-05-07.

Conditions:
Fanconi anemia complementation group D2. Also called: FANCD2-Related Fanconi Anemia; FANCONI PANCYTOPENIA, TYPE 4; FANCONI ANEMIA, COMPLEMENTATION GROUP D. Identifiers: Orphanet 84, MedGen C3160738, MONDO:0009214, OMIM 227646.

Submissions (2):

Fulgent Genetics
Classification: Uncertain significance for Fanconi anemia complementation group D2. Last evaluated: 2024-05-07. Review status: criteria provided, single submitter. Criteria: ACMG Guidelines, 2015. Collection method: clinical testing. Allele origin: germline.

GeneDx
Classification: Uncertain significance. Last evaluated: 2023-04-05. Review status: criteria provided, single submitter. Criteria: GeneDx Variant Classification Process June 2021. Collection method: clinical testing. Allele origin: germline. Affected: yes.
Comment: Not observed at significant frequency in large population cohorts (gnomAD); In silico analysis supports a deleterious effect on splicing; Has not been previously published as pathogenic or benign to our knowledge

NM_001018115.3(FANCD2):c.274-12A>G

Genes: FANCD2 (FA complementation group D2; plus strand), LOC107303338 (3p25 FANCD2 Alu-mediated recombination region; plus strand). Cytogenetic location: 3p25.3.
Variant type: single nucleotide variant.
Coding change: c.274-12A>G on transcript NM_001018115.3 (MANE Select); 12 bases into the intron before coding-DNA position 274, A replaced by G.
Molecular consequence: intron variant.
Genome position (GRCh38, 1-based): chr3:10,034,683, A>G. VCF-style: chr3-10034683-A-G. GRCh37 (hg19) VCF-style: chr3-10076367-A-G.
Other names: c.274-12A>G (NM_033084.4, NM_001319984.2, NM_001374253.1 and 3 more transcripts).
Identifiers: ClinVar variation 2662459 (VCV002662459.2), dbSNP rs2470718949, ClinGen allele CA2695197733.